The following is an entry in ClinVar:

NM_002666.5(PLIN1):c.1043C>T (p.Ser348Leu)

Gene: PLIN1 (perilipin 1; minus strand). Cytogenetic location: 15q26.1.
Variant type: single nucleotide variant.
Coding change: c.1043C>T on transcript NM_002666.5 (MANE Select); coding-DNA position 1043, C replaced by T.
Protein change: p.Ser348Leu; replaces serine 348 with leucine.
Molecular consequence: missense variant.
Genome position (GRCh38, 1-based): chr15:89,667,102, G>A on the plus strand (C>T on the coding strand, the complement: PLIN1 is on the minus strand). VCF-style: chr15-89667102-G-A. GRCh37 (hg19) VCF-style: chr15-90210333-G-A.
Other names: c.1043C>T, p.Ser348Leu (NM_001145311.2); short protein forms S348L.
Identifiers: ClinVar variation 129969 (VCV000129969.11), dbSNP rs8179071, ClinGen allele CA154694.

ClinVar aggregate classification (germline): Benign. Review status: criteria provided, multiple submitters, no conflicts (2 of 4 stars). 4 submissions from 4 submitters: Benign (3). 1 of the submissions does not count toward it. Last evaluated 2024-10-02.

Conditions:
PLIN1-related disorder. Also called: PLIN1-related condition.
Monogenic diabetes. Identifiers: Orphanet 183625, MedGen C3888631, MONDO:0015967.

Allele frequency attached by ClinVar (database versions not stated): gnomAD 0.00586 and 0.00698; ExAC 0.01072; ESP Exome Variant Server 0.00846; 1000 Genomes Project 30x 0.01312; gnomAD exomes 0.00979 and 0.01131; 1000 Genomes Project 0.01398; TOPMed 0.00619.

Submissions (4):

Mayo Clinic Laboratories, Mayo Clinic
Classification: Benign. Last evaluated: 2024-10-02. Review status: criteria provided, single submitter. Criteria: ACMG Guidelines, 2015. Collection method: clinical testing. Allele origin: germline. Observed: 2 variant alleles.
Comment: BS1, BS2, BP4

Personalized Diabetes Medicine Program, University of Maryland School of Medicine
Classification: Benign for Monogenic diabetes. Last evaluated: 2018-08-10. Review status: criteria provided, single submitter. Criteria: ACMG Guidelines, 2015. Collection method: research. Allele origin: unknown. Observed: 4 variant alleles, 4 heterozygotes.
Comment: ACMG criteria: BA1 (3.5% in gnomAD SA pop), BS2 (206 controls and 172 cases in T2DM) [REVEL 0.224, PP3 (5 predictors), BP4 (5 predictors)= conflicting evidence, not using]= benign

Genetic Services Laboratory, University of Chicago
Classification: Benign for AllHighlyPenetrant. Last evaluated: 2014-01-31. Review status: criteria provided, single submitter. Criteria: ACMG Guidelines, 2007. Collection method: clinical testing. Allele origin: germline. Inheritance: Autosomal dominant inheritance.

PreventionGenetics, part of Exact Sciences
Classification: Benign for PLIN1-related condition. Last evaluated: 2019-06-25. Review status: no assertion criteria provided. Collection method: clinical testing. Allele origin: germline. Not counted in ClinVar's aggregate classification.
Comment: This variant is classified as benign based on ACMG/AMP sequence variant interpretation guidelines (Richards et al. 2015 PMID: 25741868, with internal and published modifications).